The following is an entry in ClinVar:

NM_032043.3(BRIP1):c.533C>T (p.Thr178Ile)

Gene: BRIP1 (BRCA1 interacting DNA helicase 1; minus strand). Cytogenetic location: 17q23.2.
Variant type: single nucleotide variant.
Coding change: c.533C>T on transcript NM_032043.3 (MANE Select); coding-DNA position 533, C replaced by T.
Protein change: p.Thr178Ile; replaces threonine 178 with isoleucine.
Molecular consequence: missense variant.
Genome position (GRCh38, 1-based): chr17:61,847,195, G>A on the plus strand (C>T on the coding strand, the complement: BRIP1 is on the minus strand). VCF-style: chr17-61847195-G-A. GRCh37 (hg19) VCF-style: chr17-59924556-G-A.
Other names: short protein forms T178I.
Identifiers: ClinVar variation 230797 (VCV000230797.26), dbSNP rs876658780, ClinGen allele CA10580871.

ClinVar aggregate classification (germline): Conflicting classifications of pathogenicity. Review status: criteria provided, conflicting classifications (1 of 4 stars). 7 submissions from 7 submitters: Uncertain significance (6); Likely benign (1). Last evaluated 2025-06-05.

Conditions:
Hereditary cancer-predisposing syndrome. Also called: Hereditary Cancer Syndrome; Neoplastic Syndromes, Hereditary; Tumor predisposition; Hereditary neoplastic syndrome. Identifiers: Orphanet 140162, MedGen C0027672, MeSH D009386, MONDO:0015356.
Fanconi anemia complementation group J. Also called: BRIP1-Related Fanconi Anemia. Identifiers: Orphanet 84, MedGen C1836860, MONDO:0012187, OMIM 609054.
Familial cancer of breast. Also called: Hereditary breast cancer; hereditary breast carcinoma; BREAST CANCER, FAMILIAL. Identifiers: Orphanet 227535, MedGen C0346153, MONDO:0016419, OMIM 114480. Disease mechanism: loss of function.

Allele frequency attached by ClinVar (database versions not stated): gnomAD exomes below 0.00001.
gnomAD v4.1: 2 of 1,613,600 alleles (0.00012%); highest among the groups gnomAD compares: Non-Finnish European, 0.00017%; no homozygotes.

Submissions (7):

GeneDx
Classification: Uncertain significance. Last evaluated: 2025-06-05. Review status: criteria provided, single submitter. Criteria: GeneDx Variant Classification Process June 2021. Collection method: clinical testing. Allele origin: germline. Affected: yes.
Comment: Not observed at significant frequency in large population cohorts (gnomAD); In silico analysis suggests that this missense variant does not alter protein structure/function; This variant is associated with the following publications: (PMID: 26315354, 27878467)

Labcorp Genetics (formerly Invitae), Labcorp
Classification: Uncertain significance for Familial cancer of breast; Fanconi anemia complementation group J. Last evaluated: 2025-02-03. Review status: criteria provided, single submitter. Criteria: Invitae Variant Classification Sherloc (09022015). Collection method: clinical testing. Allele origin: germline.
Comment: This sequence change replaces threonine, which is neutral and polar, with isoleucine, which is neutral and non-polar, at codon 178 of the BRIP1 protein (p.Thr178Ile). This variant is present in population databases (no rsID available, gnomAD 0.0009%). This missense change has been observed in individual(s) with personal and/or family history of breast and/or ovarian cancer (PMID: 26315354, 27878467). ClinVar contains an entry for this variant (Variation ID: 230797). Invitae Evidence Modeling of protein sequence and biophysical properties (such as structural, functional, and spatial information, amino acid conservation, physicochemical variation, residue mobility, and thermodynamic stability) indicates that this missense variant is not expected to disrupt BRIP1 protein function with a negative predictive value of 95%. In summary, the available evidence is currently insufficient to determine the role of this variant in disease. Therefore, it has been classified as a Variant of Uncertain Significance.

Ambry Genetics
Classification: Likely benign for Hereditary cancer-predisposing syndrome. Last evaluated: 2025-01-25. Review status: criteria provided, single submitter. Criteria: Ambry Variant Classification Scheme 2023. Collection method: clinical testing. Allele origin: germline.

Color Diagnostics, LLC DBA Color Health
Classification: Uncertain significance for Hereditary cancer-predisposing syndrome. Last evaluated: 2024-08-19. Review status: criteria provided, single submitter. Criteria: ACMG Guidelines, 2015. Collection method: clinical testing. Allele origin: germline.
Comment: This missense variant replaces threonine with isoleucine at codon 178 of the BRIP1 protein. Computational prediction suggests that this variant may not impact protein structure and function. To our knowledge, functional studies have not been performed for this variant. This variant has been reported in an individual affected with ovarian cancer (PMID: 26315354). This variant has also been identified in 1/251336 chromosomes in the general population by the Genome Aggregation Database (gnomAD). The available evidence is insufficient to determine the role of this variant in disease conclusively. Therefore, this variant is classified as a Variant of Uncertain Significance.

Institute for Biomarker Research, Medical Diagnostic Laboratories, L.L.C.
Classification: Uncertain significance for Hereditary cancer-predisposing syndrome. Last evaluated: 2024-01-04. Review status: criteria provided, single submitter. Criteria: ACMG Guidelines, 2015. Collection method: clinical testing. Allele origin: germline.

Sema4
Classification: Uncertain significance for Hereditary cancer-predisposing syndrome. Last evaluated: 2021-10-30. Review status: criteria provided, single submitter. Criteria: Sema4 Curation Guidelines. Collection method: curation. Allele origin: germline.
Comment: The BRIP1 c.533C>T (p.T178I) variant has been reported in at least one individual with ovarian cancer and in an individual who underwent multi-gene panel testing for hereditary cancer (PMID: 27878467, 26315354). It was observed in 1/113666 chromosomes of the Non-Finnish European subpopulation in the large and broad cohorts of the Genome Aggregation Database (PMID: 32461654). The variant has been reported in ClinVar (Variation ID 230797). In silico tools suggest the impact of the variant on protein function is benign though these predictions have not been confirmed by functional studies. The evidence is insufficient to meet ACMG/AMP criteria for classifying the variant as benign or pathogenic. Thus, the clinical significance of this variant is currently uncertain.

Quest Diagnostics Nichols Institute San Juan Capistrano
Classification: Uncertain significance. Last evaluated: 2020-11-09. Review status: criteria provided, single submitter. Criteria: Quest Diagnostics criteria. Collection method: clinical testing. Allele origin: unknown.

Literature cited by the submitters: PubMed 26315354 (cited by 4 submitters); PubMed 27878467 (cited by 4 submitters).